The following is an entry in ClinVar:

NM_015338.6(ASXL1):c.472G>A (p.Ala158Thr)

Gene: ASXL1 (ASXL transcriptional regulator 1; plus strand). Cytogenetic location: 20q11.21.
Variant type: single nucleotide variant.
Coding change: c.472G>A on transcript NM_015338.6 (MANE Select); coding-DNA position 472, G replaced by A.
Protein change: p.Ala158Thr; replaces alanine 158 with threonine.
Molecular consequence: missense variant.
Genome position (GRCh38, 1-based): chr20:32,429,338, G>A. VCF-style: chr20-32429338-G-A. GRCh37 (hg19) VCF-style: chr20-31017141-G-A.
Other names: c.442G>A, p.Ala148Thr (NM_001363734.1); short protein forms A148T, A158T.
Identifiers: ClinVar variation 4587201 (VCV004587201.1).
Genomic context (GRCh38, chr20:32,429,338, plus strand): 5'-GAATGCTTTTGTGGCTCTGCAGTTGACTTGGGCTCTCTTTTGTTCTCTCTTGGAACGCAG[G>A]CGAACAAACAAAAGAAAAAGACTGGGGTGATGCTGCCTCGAGTTGTCCTGACTCCTCTGA-3'
Protein context (NP_056153.2, residues 148-168): PRDSYRASSQ[Ala158Thr]NKQKKKTGVM

ClinVar aggregate classification (germline): Uncertain significance (1 of 4 stars; one submission).

Conditions:
Inborn genetic diseases. Identifiers: MedGen C0950123, MeSH D030342.

gnomAD v4.1: 2 of 1,614,094 alleles (0.00012%); highest among the groups gnomAD compares: Non-Finnish European, 0.00017%; no homozygotes.

Submission:

Ambry Genetics
Classification: Uncertain significance for Inborn genetic diseases. Last evaluated: 2025-09-20. Review status: criteria provided, single submitter. Criteria: Ambry Variant Classification Scheme 2023. Collection method: clinical testing. Allele origin: germline.
Comment: The p.A158T variant (also known as c.472G>A) is located in coding exon 7 of the ASXL1 gene. The alanine at codon 158 is replaced by threonine, an amino acid with similar properties. This change occurs in the first base pair of coding exon 7. This amino acid position is conserved. In addition, this alteration is predicted to be tolerated by in silico analysis. Based on the available evidence, the clinical significance of this variant remains unclear.